The following is an entry in ClinVar:

ClinVar aggregate classification (germline): Uncertain significance (1 of 4 stars; one submission).

Submission:

Labcorp Genetics (formerly Invitae), Labcorp
Classification: Uncertain significance. Last evaluated: 2020-10-01. Review status: criteria provided, single submitter. Criteria: Invitae Variant Classification Sherloc (09022015). Collection method: clinical testing. Allele origin: germline.
Comment: The current clinical and genetic evidence is not sufficient to establish whether loss-of-function variants in KIAA1549 cause disease. This variant has not been reported in the literature in individuals with KIAA1549-related conditions. This variant is not present in population databases (ExAC no frequency). This sequence change creates a premature translational stop signal (p.Glu313Argfs*13) in the KIAA1549 gene. It is expected to result in an absent or disrupted protein product. In summary, the available evidence is currently insufficient to determine the role of this variant in disease. Therefore, it has been classified as a Variant of Uncertain Significance.

NM_001164665.2(KIAA1549):c.937del (p.Glu313fs)

Gene: KIAA1549 (KIAA1549; minus strand). Cytogenetic location: 7q34.
Variant type: Deletion.
Coding change: c.937del on transcript NM_001164665.2 (MANE Select); coding-DNA position 937, one base deleted (G; older notation c.937delG).
Protein change: p.Glu313fs; shifts the reading frame from glutamic acid 313.
Molecular consequence: frameshift variant.
Genome position (GRCh38, 1-based): chr7:138,918,689, C deleted on the plus strand (G on the coding strand, the reverse complement: KIAA1549 is on the minus strand); the first of 2 consecutive C bases (chr7:138,918,689-138,918,690); deleting either gives the same sequence. VCF-style (leftmost placement, unchanged base first): chr7-138918688-TC-T. GRCh37 (hg19) VCF-style: chr7-138603434-TC-T.
Other names: c.937del, p.Glu313fs (NM_020910.3); short protein forms E313fs.
Identifiers: ClinVar variation 1027344 (VCV001027344.6), dbSNP rs1812432416, ClinGen allele CA1746861626.
Genomic context (GRCh38, chr7:138,918,688, plus strand): 5'-AGGCTTTGACTCAACACAGTGGTCACATCAGTGTATCTGTCTGCACTTGTGGCCCAAACC[TC>T]CTCTGGAGGCTGTGAGACCTCCCCCAAGGAGGGCAACGGTATAGTAATGCCGTCGCCTAA-3'